The following is an entry in ClinVar:

ClinVar aggregate classification (germline): Benign (0 of 4 stars; one submission).

Conditions:
DNAH2-related disorder. Also called: DNAH2-related condition.

Allele frequency attached by ClinVar (database versions not stated): ESP Exome Variant Server 0.00031; gnomAD 0.00117; TOPMed 0.00134; 1000 Genomes Project 30x 0.00422; 1000 Genomes Project 0.00519.
gnomAD v4.1: 1,599 of 1,614,210 alleles (0.099%); highest among the groups gnomAD compares: East Asian, 2.3%; 28 homozygotes.

Submission:

PreventionGenetics, part of Exact Sciences
Classification: Benign for DNAH2-related condition. Last evaluated: 2024-08-11. Review status: no assertion criteria provided. Collection method: clinical testing. Allele origin: germline.
Comment: This variant is classified as benign based on ACMG/AMP sequence variant interpretation guidelines (Richards et al. 2015 PMID: 25741868, with internal and published modifications).

NM_020877.5(DNAH2):c.3138C>T (p.Arg1046=)

Gene: DNAH2 (dynein axonemal heavy chain 2; plus strand). Cytogenetic location: 17p13.1.
Variant type: single nucleotide variant.
Coding change: c.3138C>T on transcript NM_020877.5 (MANE Select); coding-DNA position 3138, C replaced by T.
Protein change: p.Arg1046=; no amino-acid change (arginine 1046 retained).
Molecular consequence: synonymous variant.
Genome position (GRCh38, 1-based): chr17:7,763,990, C>T. VCF-style: chr17-7763990-C-T. GRCh37 (hg19) VCF-style: chr17-7667308-C-T.
Identifiers: ClinVar variation 3033376 (VCV003033376.2), dbSNP rs79442311, ClinGen allele CA8356664.
Genomic context (GRCh38, chr17:7,763,990, plus strand): 5'-GCACTGCAATGAATGGCAGAACAAGTTCGCGACTCTGCTCAGGGAGATGGCTGCTGGGCG[C>T]CTCCTGGAGCTGCACACCTACCTGAAGGAGAACGCAGAGAAGTGCGGGCTGGGGCGCCCC-3'
Protein context (NP_065928.2, residues 1036-1056): ATLLREMAAG[Arg1046=]LLELHTYLKE